The following is an entry in ClinVar:

NM_014363.6(SACS):c.10906C>T (p.Arg3636Ter)

Gene: SACS (sacsin molecular chaperone; minus strand). Cytogenetic location: 13q12.12.
Variant type: single nucleotide variant.
Coding change: c.10906C>T on transcript NM_014363.6 (MANE Select); coding-DNA position 10906, C replaced by T.
Protein change: p.Arg3636Ter; replaces arginine 3636 with a stop codon.
Molecular consequence: nonsense.
Genome position (GRCh38, 1-based): chr13:23,332,970, G>A on the plus strand (C>T on the coding strand, the complement: SACS is on the minus strand). VCF-style: chr13-23332970-G-A. GRCh37 (hg19) VCF-style: chr13-23907109-G-A.
Other names: c.10465C>T, p.Arg3489Ter (NM_001278055.2); short protein forms R3636*, R3489*.
Identifiers: ClinVar variation 212108 (VCV000212108.30), dbSNP rs780247476, ClinGen allele CA276970.
Genomic context (GRCh38, chr13:23,332,970, plus strand): 5'-GACATAAGAATGGTATTAAAGATAGTTCTTTCAGAAAATTTCCAGATAACAAATCCATTC[G>A]TTCTTGGAATATATGATGCAGAAGGATATCAACTGTATTTTGCAATGTTTCTTTGGACCA-3'

ClinVar aggregate classification (germline): Pathogenic. Review status: criteria provided, multiple submitters, no conflicts (2 of 4 stars). 9 submissions from 9 submitters: Pathogenic (8). 1 of the submissions does not count toward it. Last evaluated 2025-11-30.

Conditions:
Spastic paraplegia. Identifiers: MedGen C0037772, HP:0001258.
Inborn genetic diseases. Identifiers: MedGen C0950123, MeSH D030342.
Charlevoix-Saguenay spastic ataxia (SACS). Also called: SPASTIC ATAXIA 6, AUTOSOMAL RECESSIVE; AUTOSOMAL RECESSIVE SPASTIC ATAXIA OF CHARLEVOIX-SAGUENAY; Spastic ataxia of Charlevoix-Saguenay. Identifiers: Orphanet 98, MedGen C1849140, MONDO:0010041, OMIM 270550.

Allele frequency attached by ClinVar (database versions not stated): ExAC 0.00001; TOPMed 0.00001; gnomAD 0.00001; gnomAD exomes 0.00001.
gnomAD v4.1: 27 of 1,613,678 alleles (0.0017%); highest among the groups gnomAD compares: Non-Finnish European, 0.0022%; no homozygotes.

Submissions (9):

Natera, Inc.
Classification: Pathogenic for Charlevoix-Saguenay type spastic ataxia. Last evaluated: 2025-11-30. Review status: criteria provided, single submitter. Criteria: Natera Variant Classification Schema (03/2026). Collection method: clinical testing. Allele origin: germline.
Comment: The c.10906C>T variant in SACS is a nonsense variant predicted to introduce a stop codon at amino acid 3636. This variant is expected to result in nonsense mediated decay, truncation, or a dysfunctional protein product. This variant is rare in the general population with a frequency below the threshold expected for the associated phenotype(s). This variant has been observed in one or more individuals affected with the associated recessive disease, as either homozygous or compound heterozygous with a second variant (PMID: 29915382). Given the available evidence, this variant is classified as Pathogenic.

Labcorp Genetics (formerly Invitae), Labcorp
Classification: Pathogenic for Spastic paraplegia. Last evaluated: 2025-09-24. Review status: criteria provided, single submitter. Criteria: Invitae Variant Classification Sherloc (09022015). Collection method: clinical testing. Allele origin: germline.
Comment: This sequence change creates a premature translational stop signal (p.Arg3636*) in the SACS gene. While this is not anticipated to result in nonsense mediated decay, it is expected to disrupt the last 944 amino acid(s) of the SACS protein. This variant is present in population databases (rs780247476, gnomAD 0.002%). This premature translational stop signal has been observed in individual(s) with early-onset cerebellar ataxia (PMID: 18465152). ClinVar contains an entry for this variant (Variation ID: 212108). This variant disrupts a region of the SACS protein in which other variant(s) (p.Arg3903*) have been determined to be pathogenic (PMID: 19892370, 21745802). This suggests that this is a clinically significant region of the protein, and that variants that disrupt it are likely to be disease-causing. For these reasons, this variant has been classified as Pathogenic.

Fulgent Genetics
Classification: Pathogenic for Charlevoix-Saguenay spastic ataxia. Last evaluated: 2024-02-19. Review status: criteria provided, single submitter. Criteria: ACMG Guidelines, 2015. Collection method: clinical testing. Allele origin: germline.

Baylor Genetics
Classification: Pathogenic for Charlevoix-Saguenay spastic ataxia. Last evaluated: 2023-12-11. Review status: criteria provided, single submitter. Criteria: ACMG Guidelines, 2015. Collection method: clinical testing. Allele origin: unknown.

Genome-Nilou Lab
Classification: Pathogenic for Charlevoix-Saguenay spastic ataxia. Last evaluated: 2021-09-05. Review status: criteria provided, single submitter. Criteria: ACMG Guidelines, 2015. Collection method: clinical testing. Allele origin: germline. Affected: no.

Ambry Genetics
Classification: Pathogenic for Inborn genetic diseases. Last evaluated: 2020-12-03. Review status: criteria provided, single submitter. Criteria: Ambry Variant Classification Scheme 2023. Collection method: clinical testing. Allele origin: germline.
Comment: The c.10906C>T (p.R3636*) alteration, located in exon 10 (coding exon 9) of the SACS gene, consists of a C to T substitution at nucleotide position 10906. This changes the amino acid from an arginine (R) to a stop codon at amino acid position 3636. This alteration occurs at the 3' terminus of the SACS gene, is not expected to trigger nonsense-mediated mRNA decay, and only impacts the last 20% of the protein. However, premature stop codons are typically deleterious in nature and a pathogenic truncating mutation downstream has been reported (Vermeer, 2008). They were all found to be compound heterozygous for a second truncating alteration in SACS (Vermeer, 2008; Sun, 2019). Based on the available evidence, this alteration is classified as pathogenic.

Women's Health and Genetics/Laboratory Corporation of America, LabCorp
Classification: Pathogenic for Charlevoix-Saguenay spastic ataxia. Last evaluated: 2020-02-14. Review status: criteria provided, single submitter. Criteria: LabCorp Variant Classification Summary - May 2015. Collection method: clinical testing. Allele origin: germline.
Comment: Variant summary: SACS c.10906C>T (p.Arg3636X) results in a premature termination codon in the last exon, that is not expected to result in nonsense mediated decay (NMD), but is predicted to cause a large truncation of the encoded protein. Truncations downstream of this position have been classified as pathogenic by our laboratory (e.g. c.11374C>T (p.Arg3792X)). The variant allele was found at a frequency of 1.2e-05 in 250508 control chromosomes (gnomAD). The variant, c.10906C>T, has been reported in the literature in multiple compound heterozygous- and a homozygous individual affected with Autosomal Recessive Spastic Ataxia of Charlevoix-Saguenay (Vermeer_2008, Walsh_2017, Sun_2019, Tsugawa_2015). These data indicate that the variant is likely to be associated with disease. To our knowledge, no experimental evidence demonstrating an impact on protein function has been reported. Two clinical diagnostic laboratories have submitted clinical-significance assessments for this variant to ClinVar after 2014 and laboratories classified the variant as pathogenic (1x) / likely pathogenic (1x). Based on the evidence outlined above, the variant was classified as pathogenic.

Genetic Services Laboratory, University of Chicago
Classification: Pathogenic for Spastic ataxia, Charlevoix-Saguenay type. Last evaluated: 2014-08-07. Review status: criteria provided, single submitter. Criteria: ACMG Guidelines, 2015. Collection method: clinical testing. Allele origin: germline. Affected: yes.

Counsyl
Classification: Likely pathogenic for Charlevoix-Saguenay spastic ataxia. Last evaluated: 2016-02-19. Review status: no assertion criteria provided. Collection method: clinical testing. Allele origin: unknown. Not counted in ClinVar's aggregate classification.

Literature cited by the submitters: PubMed 29915382 (cited by 3 submitters); PubMed 18465152 (cited by 4 submitters); PubMed 19892370 (cited by Labcorp Genetics (formerly Invitae), Labcorp); PubMed 21745802 (cited by Labcorp Genetics (formerly Invitae), Labcorp); PubMed 28491899 (cited by Women's Health and Genetics/Laboratory Corporation of America, LabCorp).